The following is an entry in ClinVar:

NM_020975.4(RET):c.-196C>A

Genes: RET (ret proto-oncogene; plus strand), LOC106736614 (RET 5' regulatory region; plus strand). Cytogenetic location: 10q11.21.
Variant type: single nucleotide variant.
Coding change: c.-196C>A on transcript NM_020975.4; 196 bases upstream of the start codon, C replaced by A.
Genome position (GRCh38, 1-based): chr10:43,077,063, C>A. VCF-style: chr10-43077063-C-A. GRCh37 (hg19) VCF-style: chr10-43572511-C-A.
Identifiers: ClinVar variation 368899 (VCV000368899.8), dbSNP rs10900297, ClinGen allele CA10654457.

ClinVar aggregate classification (germline): Benign/Likely benign. Review status: criteria provided, multiple submitters, no conflicts (2 of 4 stars). 2 submissions from 2 submitters: Benign (1); Likely benign (1). Last evaluated 2018-06-15.

Allele frequency attached by ClinVar (database versions not stated): gnomAD 0.41408 and 0.41632; TOPMed 0.42386; 1000 Genomes Project 0.40954; 1000 Genomes Project 30x 0.41755.

Submissions (2):

GeneDx
Classification: Benign. Last evaluated: 2018-06-15. Review status: criteria provided, single submitter. Criteria: GeneDx Variant Classification (06012015). Collection method: clinical testing. Allele origin: germline. Affected: yes.
Comment: This variant is considered likely benign or benign based on one or more of the following criteria: it is a conservative change, it occurs at a poorly conserved position in the protein, it is predicted to be benign by multiple in silico algorithms, and/or has population frequency not consistent with disease.

Breakthrough Genomics
Classification: Likely benign. Review status: criteria provided, single submitter. Criteria: ACMG Guidelines, 2015. Collection method: not provided. Allele origin: germline. Inheritance: Autosomal dominant inheritance. Affected: yes.